The following is an entry in ClinVar:

ClinVar aggregate classification (germline): Pathogenic/Likely pathogenic. Review status: criteria provided, multiple submitters, no conflicts (2 of 4 stars). 3 submissions from 3 submitters: Pathogenic (1); Likely pathogenic (1). 1 of the submissions does not count toward it. Last evaluated 2025-11-25.

Conditions:
EMC1-related disorder. Also called: EMC1-related condition.
Obesity. Also called: Obesity disorder. Identifiers: Orphanet 71529, MedGen C0028754, MeSH D009765, MONDO:0011122, HP:0001513.

gnomAD v4.1: 13 of 1,614,120 alleles (0.00081%); highest among the groups gnomAD compares: Admixed American, 0.005%; no homozygotes.

Submissions (3):

Labcorp Genetics (formerly Invitae), Labcorp
Classification: Pathogenic. Last evaluated: 2025-11-25. Review status: criteria provided, single submitter. Criteria: Invitae Variant Classification Sherloc (09022015). Collection method: clinical testing. Allele origin: germline.
Comment: This sequence change creates a premature translational stop signal (p.Arg105*) in the EMC1 gene. It is expected to result in an absent or disrupted protein product. Loss-of-function variants in EMC1 are known to be pathogenic (PMID: 26572623, 26942288, 29271071). This variant is present in population databases (rs148538980, gnomAD 0.003%). This variant has not been reported in the literature in individuals affected with EMC1-related conditions. ClinVar contains an entry for this variant (Variation ID: 631526). For these reasons, this variant has been classified as Pathogenic.

Blueprint Genetics
Classification: Likely pathogenic for EMC1-related disorders. Last evaluated: 2024-04-09. Review status: criteria provided, single submitter. Criteria: ACMG Guidelines, 2015. Collection method: clinical testing. Allele origin: germline. Affected: yes. Observed: 3 variant alleles.

Dash Lab, University Health Network
Classification: Likely pathogenic for Obesity. Last evaluated: 2017-07-01. Review status: no assertion criteria provided. Collection method: research. Allele origin: germline. Affected: yes. Not counted in ClinVar's aggregate classification.
Comment: Obesity with no other associated features

Literature cited by the submitters: PubMed 26572623 (cited by Labcorp Genetics (formerly Invitae), Labcorp); PubMed 26942288 (cited by Labcorp Genetics (formerly Invitae), Labcorp); PubMed 29271071 (cited by Labcorp Genetics (formerly Invitae), Labcorp).

NM_015047.3(EMC1):c.313C>T (p.Arg105Ter)

Gene: EMC1 (ER membrane protein complex subunit 1; minus strand). Cytogenetic location: 1p36.13.
Variant type: single nucleotide variant.
Coding change: c.313C>T on transcript NM_015047.3 (MANE Select); coding-DNA position 313, C replaced by T.
Protein change: p.Arg105Ter; replaces arginine 105 with a stop codon.
Molecular consequence: nonsense.
Genome position (GRCh38, 1-based): chr1:19,243,681, G>A on the plus strand (C>T on the coding strand, the complement: EMC1 is on the minus strand). VCF-style: chr1-19243681-G-A. GRCh37 (hg19) VCF-style: chr1-19570175-G-A.
Other names: c.313C>T, p.Arg105Ter (NM_001271427.2, NM_001271428.2); c.247C>T, p.Arg83Ter (NM_001271429.2); short protein forms R105*, R83*.
Identifiers: ClinVar variation 631526 (VCV000631526.11), dbSNP rs148538980, ClinGen allele CA652959.